The following is an entry in ClinVar:

NM_001165963.4(SCN1A):c.2980_2981del (p.Ser994fs)

Gene: SCN1A (sodium voltage-gated channel alpha subunit 1; minus strand). Cytogenetic location: 2q24.3.
Variant type: Deletion.
Coding change: c.2980_2981del on transcript NM_001165963.4 (MANE Select); coding-DNA positions 2980 to 2981, 2 bases deleted (TC; older notation c.2980_2981delTC).
Protein change: p.Ser994fs; shifts the reading frame from serine 994.
Molecular consequence: frameshift variant. On other transcripts: non-coding transcript variant (1).
Genome position (GRCh38, 1-based): chr2:166,036,496-166,036,497, GA deleted on the plus strand (TC on the coding strand, the reverse complement: SCN1A is on the minus strand); deleting any 2 consecutive bases within chr2:166,036,496-166,036,498 gives the same sequence; the c. name uses the placement nearest the transcript's 3' end. VCF-style (leftmost placement, unchanged base first): chr2-166036495-TGA-T. GRCh37 (hg19) VCF-style: chr2-166893005-TGA-T.
Other names: c.2896_2897del, p.Ser966fs (NM_001165964.3, NM_001353957.2, NM_001353958.2); c.2980_2981del, p.Ser994fs (NM_001202435.3, NM_001353948.2); c.2947_2948del, p.Ser983fs (NM_001353949.2, NM_001353950.2, NM_001353951.2 and 2 more transcripts); c.2944_2945del, p.Ser982fs (NM_001353954.2, NM_001353955.2); c.2893_2894del, p.Ser965fs (NM_001353960.2); c.538_539del, p.Ser180fs (NM_001353961.2); short protein forms S180fs, S982fs, S965fs, S966fs, S983fs, S994fs.
Identifiers: ClinVar variation 190001 (VCV000190001.1), dbSNP rs794726830, ClinGen allele CA303520.

ClinVar aggregate classification (germline): Pathogenic (1 of 4 stars; one submission).

Conditions:
Severe myoclonic epilepsy in infancy (DRVT). Also called: Epileptic encephalopathy, early infantile, 6 (Dravet syndrome); SEVERE MYOCLONIC EPILEPSY OF INFANCY; DEVELOPMENTAL AND EPILEPTIC ENCEPHALOPATHY 6A; Severe Myoclonic Epilepsy in Infancy (SMEI); Dravet syndrome. Identifiers: Orphanet 33069, MedGen C0751122, MONDO:0100135, OMIM 607208.

Submission:

Center for Bioinformatics, Peking University
Classification: Pathogenic for Dravet syndrome. Last evaluated: 2014-12-20. Review status: criteria provided, single submitter. Criteria: Xu et al. (Hum Mutat. 2015). Collection method: research. Allele origin: de novo. Affected: yes. Observed: 1 variant allele. Study: University Clinical Cooperation “985 Project” PKU-2014-1-1.
Comment: Dravet syndrome (DS) probands were recruited from the outpatient and inpatient child neurology units of Peking University First Hospital from 2005 till present. The study was approved by the Ethics Committee of Peking University First Hospital and the Institutional Review Board at Peking University. Participants or their parents provided written informed consent before enrollment. We collected a total of 267 mutations from 255 families with probands diagnosed with DS in China. All probands fulfilled the clinical diagnostic criteria.